The following is an entry in ClinVar:

NM_052876.4(NACC1):c.455G>T (p.Gly152Val)

Gene: NACC1 (nucleus accumbens associated 1; plus strand). Cytogenetic location: 19p13.13.
Variant type: single nucleotide variant.
Coding change: c.455G>T on transcript NM_052876.4 (MANE Select); coding-DNA position 455, G replaced by T.
Protein change: p.Gly152Val; replaces glycine 152 with valine.
Molecular consequence: missense variant.
Genome position (GRCh38, 1-based): chr19:13,135,662, G>T. VCF-style: chr19-13135662-G-T. GRCh37 (hg19) VCF-style: chr19-13246476-G-T.
Other names: short protein forms G152V.
Identifiers: ClinVar variation 2966049 (VCV002966049.3), dbSNP rs754528785, ClinGen allele CA9238276.

ClinVar aggregate classification (germline): Uncertain significance (1 of 4 stars; one submission).

Allele frequency attached by ClinVar (database versions not stated): TOPMed below 0.00001.
gnomAD v4.1: 13 of 1,558,174 alleles (0.00083%); highest among the groups gnomAD compares: Non-Finnish European, 0.001%; no homozygotes.

Submission:

Labcorp Genetics (formerly Invitae), Labcorp
Classification: Uncertain significance. Last evaluated: 2023-08-04. Review status: criteria provided, single submitter. Criteria: Invitae Variant Classification Sherloc (09022015). Collection method: clinical testing. Allele origin: germline.
Comment: In summary, the available evidence is currently insufficient to determine the role of this variant in disease. Therefore, it has been classified as a Variant of Uncertain Significance. Advanced modeling of protein sequence and biophysical properties (such as structural, functional, and spatial information, amino acid conservation, physicochemical variation, residue mobility, and thermodynamic stability) performed at Invitae indicates that this missense variant is not expected to disrupt NACC1 protein function. This variant has not been reported in the literature in individuals affected with NACC1-related conditions. This variant is not present in population databases (gnomAD no frequency). This sequence change replaces glycine, which is neutral and non-polar, with valine, which is neutral and non-polar, at codon 152 of the NACC1 protein (p.Gly152Val).